The following is an entry in ClinVar:

ClinVar aggregate classification (germline): Uncertain significance (1 of 4 stars; one submission).

Submission:

Labcorp Genetics (formerly Invitae), Labcorp
Classification: Uncertain significance. Last evaluated: 2023-12-24. Review status: criteria provided, single submitter. Criteria: Invitae Variant Classification Sherloc (09022015). Collection method: clinical testing. Allele origin: germline.
Comment: This sequence change replaces serine, which is neutral and polar, with phenylalanine, which is neutral and non-polar, at codon 706 of the NLRP1 protein (p.Ser706Phe). This variant is not present in population databases (gnomAD no frequency). This variant has not been reported in the literature in individuals affected with NLRP1-related conditions. Algorithms developed to predict the effect of missense changes on protein structure and function output the following: SIFT: "Not Available"; PolyPhen-2: "Benign"; Align-GVGD: "Not Available". The phenylalanine amino acid residue is found in multiple mammalian species, which suggests that this missense change does not adversely affect protein function. In summary, the available evidence is currently insufficient to determine the role of this variant in disease. Therefore, it has been classified as a Variant of Uncertain Significance.

NM_033004.4(NLRP1):c.2117C>T (p.Ser706Phe)

Gene: NLRP1 (NLR family pyrin domain containing 1; minus strand). Cytogenetic location: 17p13.2.
Variant type: single nucleotide variant.
Coding change: c.2117C>T on transcript NM_033004.4 (MANE Select); coding-DNA position 2117, C replaced by T.
Protein change: p.Ser706Phe; replaces serine 706 with phenylalanine.
Molecular consequence: missense variant.
Genome position (GRCh38, 1-based): chr17:5,558,579, G>A on the plus strand (C>T on the coding strand, the complement: NLRP1 is on the minus strand). VCF-style: chr17-5558579-G-A. GRCh37 (hg19) VCF-style: chr17-5461899-G-A.
Other names: c.2117C>T, p.Ser706Phe (NM_001033053.3, NM_014922.5, NM_033006.4 and 1 more transcripts); short protein forms S706F.
Identifiers: ClinVar variation 2705235 (VCV002705235.3), dbSNP rs2507935804, ClinGen allele CA397383044.